The following is an entry in ClinVar:

NM_017654.4(SAMD9):c.3437T>C (p.Val1146Ala)

Gene: SAMD9 (sterile alpha motif domain containing 9; minus strand). Cytogenetic location: 7q21.2.
Variant type: single nucleotide variant.
Coding change: c.3437T>C on transcript NM_017654.4 (MANE Select); coding-DNA position 3437, T replaced by C.
Protein change: p.Val1146Ala; replaces valine 1146 with alanine.
Molecular consequence: missense variant.
Genome position (GRCh38, 1-based): chr7:93,102,661, A>G on the plus strand (T>C on the coding strand, the complement: SAMD9 is on the minus strand). VCF-style: chr7-93102661-A-G. GRCh37 (hg19) VCF-style: chr7-92731974-A-G.
Other names: c.3437T>C, p.Val1146Ala (NM_001193307.2); c.3437T>C (NM_017654.3); short protein forms V1146A.
Identifiers: ClinVar variation 1448340 (VCV001448340.5), dbSNP rs2116414943, ClinGen allele CA368185153.

ClinVar aggregate classification (germline): Uncertain significance. Review status: criteria provided, multiple submitters, no conflicts (2 of 4 stars). 2 submissions from 2 submitters: Uncertain significance (2). Last evaluated 2025-10-09.

Conditions:
Inborn genetic diseases. Identifiers: MedGen C0950123, MeSH D030342.

Submissions (2):

Labcorp Genetics (formerly Invitae), Labcorp
Classification: Uncertain significance. Last evaluated: 2025-10-09. Review status: criteria provided, single submitter. Criteria: Invitae Variant Classification Sherloc (09022015). Collection method: clinical testing. Allele origin: germline.
Comment: This sequence change replaces valine, which is neutral and non-polar, with alanine, which is neutral and non-polar, at codon 1146 of the SAMD9 protein (p.Val1146Ala). This variant is not present in population databases (gnomAD no frequency). This variant has not been reported in the literature in individuals affected with SAMD9-related conditions. ClinVar contains an entry for this variant (Variation ID: 1448340). Invitae Evidence Modeling of protein sequence and biophysical properties (such as structural, functional, and spatial information, amino acid conservation, physicochemical variation, residue mobility, and thermodynamic stability) indicates that this missense variant is not expected to disrupt SAMD9 protein function with a negative predictive value of 95%. In summary, the available evidence is currently insufficient to determine the role of this variant in disease. Therefore, it has been classified as a Variant of Uncertain Significance.

Ambry Genetics
Classification: Uncertain significance for Inborn genetic diseases. Last evaluated: 2025-03-31. Review status: criteria provided, single submitter. Criteria: Ambry Variant Classification Scheme 2023. Collection method: clinical testing. Allele origin: germline.
Comment: The p.V1146A variant (also known as c.3437T>C), located in coding exon 1 of the SAMD9 gene, results from a T to C substitution at nucleotide position 3437. The valine at codon 1146 is replaced by alanine, an amino acid with similar properties. This amino acid position is conserved. In addition, this alteration is predicted to be tolerated by in silico analysis. Based on the available evidence, the clinical significance of this variant remains unclear.